The following is an entry in ClinVar:

ClinVar aggregate classification (germline): Pathogenic. Review status: criteria provided, multiple submitters, no conflicts (2 of 4 stars). 3 submissions from 3 submitters: Pathogenic (3). Last evaluated 2023-12-24.

Conditions:
Autosomal recessive nonsyndromic hearing loss 23. Identifiers: Orphanet 90636, MedGen C1836027, MONDO:0012293, OMIM 609533.
Usher syndrome type 1F (USH1F). Also called: USHER SYNDROME, TYPE IF. Identifiers: Orphanet 231169, Orphanet 886, MedGen C1865885, MONDO:0011186, OMIM 602083.

Submissions (3):

Labcorp Genetics (formerly Invitae), Labcorp
Classification: Pathogenic. Last evaluated: 2023-12-24. Review status: criteria provided, single submitter. Criteria: Invitae Variant Classification Sherloc (09022015). Collection method: clinical testing. Allele origin: germline.
Comment: This sequence change creates a premature translational stop signal (p.Phe21*) in the PCDH15 gene. It is expected to result in an absent or disrupted protein product. Loss-of-function variants in PCDH15 are known to be pathogenic (PMID: 11398101, 11487575, 14570705). This variant is not present in population databases (gnomAD no frequency). This premature translational stop signal has been observed in individual(s) with Usher syndrome (PMID: 36384460). For these reasons, this variant has been classified as Pathogenic.

Baylor Genetics
Classification: Pathogenic for Autosomal recessive nonsyndromic hearing loss 23. Last evaluated: 2022-08-01. Review status: criteria provided, single submitter. Criteria: ACMG Guidelines, 2015. Collection method: clinical testing. Allele origin: unknown.

3billion
Classification: Pathogenic for Usher syndrome type 1F. Last evaluated: 2022-05-22. Review status: criteria provided, single submitter. Criteria: ACMG Guidelines, 2015. Collection method: clinical testing. Allele origin: germline. Affected: yes. Observed: 1 homozygote.
Comment: The variant is not observed in the gnomAD v2.1.1 dataset. Frameshift: predicted to result in a loss or disruption of normal protein function through nonsense-mediated decay (NMD) or protein truncation. Multiple pathogenic variants are reported downstream of the variant. The patient's phenotype is considered compatible with PCDH15 related disorder (3billion dataset). Therefore, this variant is classified as pathogenic according to the recommendation of ACMG/AMP guideline.

Literature cited by the submitters: PubMed 11398101 (cited by Labcorp Genetics (formerly Invitae), Labcorp); PubMed 11487575 (cited by Labcorp Genetics (formerly Invitae), Labcorp); PubMed 14570705 (cited by Labcorp Genetics (formerly Invitae), Labcorp); PubMed 36384460 (cited by Labcorp Genetics (formerly Invitae), Labcorp).

NM_001384140.1(PCDH15):c.60_61del (p.Leu20_Phe21insTer)

Gene: PCDH15 (protocadherin related 15; minus strand). Cytogenetic location: 10q21.1.
Variant type: Microsatellite.
Coding change: c.60_61del on transcript NM_001384140.1 (MANE Select); coding-DNA positions 60 to 61, 2 bases deleted (CT; older notation c.60_61delCT).
Protein change: p.Leu20_Phe21insTer.
Molecular consequence: frameshift variant. On other transcripts: nonsense (1).
Genome position (GRCh38, 1-based): chr10:54,664,202-54,664,203, AG deleted on the plus strand (CT on the coding strand, the reverse complement: PCDH15 is on the minus strand); deleting any 2 consecutive bases within chr10:54,664,202-54,664,209 gives the same sequence; the c. name uses the placement nearest the transcript's 3' end. VCF-style (leftmost placement, unchanged base first): chr10-54664201-AAG-A. GRCh37 (hg19) VCF-style: chr10-56423961-AAG-A.
Other names: c.60_61del, p.Leu20_Phe21insTer (NM_001142763.2, NM_001142764.2, NM_001142765.2 and 13 more transcripts); c.54_55CT[3], p.Phe21Terfs (NM_001142769.4).
Identifiers: ClinVar variation 1687300 (VCV001687300.5), dbSNP rs2135421905, ClinGen allele CA2580615483.